The following is an entry in ClinVar:

NM_181712.5(KANK4):c.1900+1G>A

Gene: KANK4 (KN motif and ankyrin repeat domains 4; minus strand). Cytogenetic location: 1p31.3.
Variant type: single nucleotide variant.
Coding change: c.1900+1G>A on transcript NM_181712.5 (MANE Select); the canonical splice donor site of the intron after coding-DNA position 1900, G replaced by A.
Molecular consequence: splice donor variant. On other transcripts: intron variant (1).
Genome position (GRCh38, 1-based): chr1:62,273,203, C>T on the plus strand (G>A on the coding strand, the complement: KANK4 is on the minus strand). VCF-style: chr1-62273203-C-T. GRCh37 (hg19) VCF-style: chr1-62738875-C-T.
Other names: c.17-1614G>A (NM_001320269.2).
Identifiers: ClinVar variation 4707353 (VCV004707353.1).
Genomic context (GRCh38, chr1:62,273,203, plus strand): 5'-GCCTTATCATGTGAAGGAGAAATGGCTCCCTGTCTCAGGCCCCTATATTGATGGTATTTA[C>T]CCACTGGCGGGGAGGAGGAGGAGGCCGGTGGCTCCTTGGGTGGGTGAGCCTGGGCCGAGT-3'

ClinVar aggregate classification (germline): Uncertain significance (1 of 4 stars; one submission).

gnomAD v4.1: 8 of 1,509,608 alleles (0.00053%); highest among the groups gnomAD compares: East Asian, 0.011%; no homozygotes.

Submission:

Labcorp Genetics (formerly Invitae), Labcorp
Classification: Uncertain significance. Last evaluated: 2025-06-04. Review status: criteria provided, single submitter. Criteria: Invitae Variant Classification Sherloc (09022015). Collection method: clinical testing. Allele origin: germline.
Comment: This sequence change affects a donor splice site in intron 3 of the KANK4 gene. It is expected to disrupt RNA splicing. Variants that disrupt the donor or acceptor splice site typically lead to a loss of protein function (PMID: 16199547), however the current clinical and genetic evidence is not sufficient to establish whether loss-of-function variants in KANK4 cause disease. This variant is present in population databases (rs771047971, gnomAD 0.03%). This variant has not been reported in the literature in individuals affected with KANK4-related conditions. Algorithms developed to predict the effect of sequence changes on RNA splicing suggest that this variant may disrupt the consensus splice site. In summary, the available evidence is currently insufficient to determine the role of this variant in disease. Therefore, it has been classified as a Variant of Uncertain Significance.

Literature cited by the submitters: PubMed 16199547.